The following is an entry in ClinVar:

ClinVar aggregate classification (germline): Uncertain significance (1 of 4 stars; one submission).

Conditions:
Hyperammonemia, type III (NAGSD). Also called: Hyperammonemia due to N-acetylglutamate synthase deficiency. Identifiers: Orphanet 927, MedGen C0268543, MONDO:0009377, OMIM 237310.

Allele frequency attached by ClinVar (database versions not stated): gnomAD exomes below 0.00001.
gnomAD v4.1: 2 of 1,604,950 alleles (0.00012%); no homozygotes.

Submission:

Labcorp Genetics (formerly Invitae), Labcorp
Classification: Uncertain significance for Hyperammonemia, type III. Last evaluated: 2022-07-19. Review status: criteria provided, single submitter. Criteria: Invitae Variant Classification Sherloc (09022015). Collection method: clinical testing. Allele origin: germline.
Comment: In summary, the available evidence is currently insufficient to determine the role of this variant in disease. Therefore, it has been classified as a Variant of Uncertain Significance. Algorithms developed to predict the effect of missense changes on protein structure and function are either unavailable or do not agree on the potential impact of this missense change (SIFT: "Tolerated"; PolyPhen-2: "Possibly Damaging"; Align-GVGD: "Class C0"). This variant has not been reported in the literature in individuals affected with NAGS-related conditions. This variant is present in population databases (no rsID available, gnomAD 0.03%). This sequence change replaces glycine, which is neutral and non-polar, with serine, which is neutral and polar, at codon 457 of the NAGS protein (p.Gly457Ser).

NM_153006.3(NAGS):c.1369G>A (p.Gly457Ser)

Gene: NAGS (N-acetylglutamate synthase; plus strand). Cytogenetic location: 17q21.31.
Variant type: single nucleotide variant.
Coding change: c.1369G>A on transcript NM_153006.3 (MANE Select); coding-DNA position 1369, G replaced by A.
Protein change: p.Gly457Ser; replaces glycine 457 with serine.
Molecular consequence: missense variant.
Genome position (GRCh38, 1-based): chr17:44,007,691, G>A. VCF-style: chr17-44007691-G-A. GRCh37 (hg19) VCF-style: chr17-42085059-G-A.
Other names: short protein forms G457S.
Identifiers: ClinVar variation 2416928 (VCV002416928.6), dbSNP rs984258902, ClinGen allele CA399727823.